The following is an entry in ClinVar:

NM_006785.4(MALT1):c.583A>G (p.Asn195Asp)

Gene: MALT1 (MALT1 paracaspase; plus strand). Cytogenetic location: 18q21.32.
Variant type: single nucleotide variant.
Coding change: c.583A>G on transcript NM_006785.4 (MANE Select); coding-DNA position 583, A replaced by G.
Protein change: p.Asn195Asp; replaces asparagine 195 with aspartic acid.
Molecular consequence: missense variant.
Genome position (GRCh38, 1-based): chr18:58,700,525, A>G. VCF-style: chr18-58700525-A-G. GRCh37 (hg19) VCF-style: chr18-56367757-A-G.
Other names: c.583A>G, p.Asn195Asp (NM_173844.3); short protein forms N195D.
Identifiers: ClinVar variation 1374088 (VCV001374088.6), dbSNP rs2144361887, ClinGen allele CA402572889.

ClinVar aggregate classification (germline): Uncertain significance (1 of 4 stars; one submission).

Conditions:
Combined immunodeficiency due to MALT1 deficiency. Also called: Immunodeficiency 12. Identifiers: Orphanet 397964, MedGen C3809583, MONDO:0014197, OMIM 615468.

Submission:

Labcorp Genetics (formerly Invitae), Labcorp
Classification: Uncertain significance for Combined immunodeficiency due to MALT1 deficiency. Last evaluated: 2023-12-07. Review status: criteria provided, single submitter. Criteria: Invitae Variant Classification Sherloc (09022015). Collection method: clinical testing. Allele origin: germline.
Comment: This sequence change replaces asparagine, which is neutral and polar, with aspartic acid, which is acidic and polar, at codon 195 of the MALT1 protein (p.Asn195Asp). This variant is not present in population databases (gnomAD no frequency). This variant has not been reported in the literature in individuals affected with MALT1-related conditions. ClinVar contains an entry for this variant (Variation ID: 1374088). Advanced modeling of protein sequence and biophysical properties (such as structural, functional, and spatial information, amino acid conservation, physicochemical variation, residue mobility, and thermodynamic stability) performed at Invitae indicates that this missense variant is not expected to disrupt MALT1 protein function with a negative predictive value of 80%. In summary, the available evidence is currently insufficient to determine the role of this variant in disease. Therefore, it has been classified as a Variant of Uncertain Significance.